The following is an entry in ClinVar:

NM_004588.5(SCN2B):c.410G>A (p.Arg137His)

Gene: SCN2B (sodium voltage-gated channel beta subunit 2; minus strand). Cytogenetic location: 11q23.3.
Variant type: single nucleotide variant.
Coding change: c.410G>A on transcript NM_004588.5 (MANE Select); coding-DNA position 410, G replaced by A.
Protein change: p.Arg137His; replaces arginine 137 with histidine.
Molecular consequence: missense variant.
Genome position (GRCh38, 1-based): chr11:118,168,123, C>T on the plus strand (G>A on the coding strand, the complement: SCN2B is on the minus strand). VCF-style: chr11-118168123-C-T. GRCh37 (hg19) VCF-style: chr11-118038838-C-T.
Other names: short protein forms R137H.
Identifiers: ClinVar variation 239959 (VCV000239959.10), dbSNP rs878854712, ClinGen allele CA10582875.

ClinVar aggregate classification (germline): Uncertain significance. Review status: criteria provided, multiple submitters, no conflicts (2 of 4 stars). 2 submissions from 2 submitters: Uncertain significance (2). Last evaluated 2021-11-19.

Conditions:
Cardiovascular phenotype. Identifiers: MedGen CN230736.
Atrial fibrillation, familial, 14 (ATFB14). Identifiers: MedGen C3809312, MONDO:0014156, OMIM 615378.

Allele frequency attached by ClinVar (database versions not stated): gnomAD exomes below 0.00001 and 0.00001; TOPMed 0.00002; gnomAD 0.00003.

Submissions (2):

Ambry Genetics
Classification: Uncertain significance for Cardiovascular phenotype. Last evaluated: 2021-11-19. Review status: criteria provided, single submitter. Criteria: Ambry Variant Classification Scheme 2023. Collection method: clinical testing. Allele origin: germline.
Comment: The p.R137H variant (also known as c.410G>A), located in coding exon 3 of the SCN2B gene, results from a G to A substitution at nucleotide position 410. The arginine at codon 137 is replaced by histidine, an amino acid with highly similar properties. This amino acid position is not well conserved in available vertebrate species. In addition, the in silico prediction for this alteration is inconclusive. The evidence for this gene-disease relationship is limited; therefore, the clinical significance of this alteration is unclear.

Labcorp Genetics (formerly Invitae), Labcorp
Classification: Uncertain significance for Atrial fibrillation, familial, 14. Last evaluated: 2016-03-01. Review status: criteria provided, single submitter. Criteria: Invitae Variant Classification Sherloc (09022015). Collection method: clinical testing. Allele origin: germline.
Comment: In summary, this variant is a novel missense change with uncertain impact on protein function. It has been classified as a Variant of Uncertain Significance. Algorithms developed to predict the effect of missense changes on protein structure and function do not agree on the potential impact of this missense change (SIFT: "Deleterious"; PolyPhen-2: "Benign"; Align-GVGD: "Class C0"). This variant is not present in population databases (ExAC no frequency) and has not been reported in the literature in individuals with a SCN2B-related disease. This sequence change replaces arginine with histidine at codon 137 of the SCN2B protein (p.Arg137His). The arginine residue is highly conserved and there is a small physicochemical difference between arginine and histidine.